The following is an entry in ClinVar:

NM_012186.3(FOXE3):c.737C>G (p.Ala246Gly)

Genes: FOXE3 (forkhead box E3; plus strand), LINC01389 (long intergenic non-protein coding RNA 1389; minus strand). Cytogenetic location: 1p33.
Variant type: single nucleotide variant.
Coding change: c.737C>G on transcript NM_012186.3 (MANE Select); coding-DNA position 737, C replaced by G.
Protein change: p.Ala246Gly; replaces alanine 246 with glycine.
Molecular consequence: missense variant.
Genome position (GRCh38, 1-based): chr1:47,417,052, C>G. VCF-style: chr1-47417052-C-G. GRCh37 (hg19) VCF-style: chr1-47882724-C-G.
Other names: short protein forms A246G.
Identifiers: ClinVar variation 3516713 (VCV003516713.1).

ClinVar aggregate classification (germline): Uncertain significance (1 of 4 stars; one submission).

Conditions:
Cardiovascular phenotype. Identifiers: MedGen CN230736.

Submission:

Ambry Genetics
Classification: Uncertain significance for Cardiovascular phenotype. Last evaluated: 2024-11-17. Review status: criteria provided, single submitter. Criteria: Ambry Variant Classification Scheme 2023. Collection method: clinical testing. Allele origin: germline.
Comment: The p.A246G variant (also known as c.737C>G), located in coding exon 1 of the FOXE3 gene, results from a C to G substitution at nucleotide position 737. The alanine at codon 246 is replaced by glycine, an amino acid with similar properties. This amino acid position is conserved. In addition, this alteration is predicted to be tolerated by in silico analysis. Based on the available evidence, the clinical significance of this variant remains unclear.